The following is an entry in ClinVar:

ClinVar aggregate classification (germline): Uncertain significance (1 of 4 stars; one submission).

Conditions:
Lethal congenital glycogen storage disease of heart. Also called: PHOSPHORYLASE KINASE DEFICIENCY OF HEART; GLYCOGEN STORAGE DISEASE OF HEART. Identifiers: Orphanet 439854, MedGen C1849813, MONDO:0009867, OMIM 261740.

Submission:

Labcorp Genetics (formerly Invitae), Labcorp
Classification: Uncertain significance for Lethal congenital glycogen storage disease of heart. Last evaluated: 2024-02-23. Review status: criteria provided, single submitter. Criteria: Invitae Variant Classification Sherloc (09022015). Collection method: clinical testing. Allele origin: germline.
Comment: This sequence change replaces arginine, which is basic and polar, with isoleucine, which is neutral and non-polar, at codon 329 of the PRKAG2 protein (p.Arg329Ile). This variant is not present in population databases (gnomAD no frequency). This variant has not been reported in the literature in individuals affected with PRKAG2-related conditions. Advanced modeling of protein sequence and biophysical properties (such as structural, functional, and spatial information, amino acid conservation, physicochemical variation, residue mobility, and thermodynamic stability) has been performed at Invitae for this missense variant, however the output from this modeling did not meet the statistical confidence thresholds required to predict the impact of this variant on PRKAG2 protein function. In summary, the available evidence is currently insufficient to determine the role of this variant in disease. Therefore, it has been classified as a Variant of Uncertain Significance.

NM_016203.4(PRKAG2):c.986G>T (p.Arg329Ile)

Gene: PRKAG2 (protein kinase AMP-activated non-catalytic subunit gamma 2; minus strand). Cytogenetic location: 7q36.1.
Variant type: single nucleotide variant.
Coding change: c.986G>T on transcript NM_016203.4 (MANE Select); coding-DNA position 986, G replaced by T.
Protein change: p.Arg329Ile; replaces arginine 329 with isoleucine.
Molecular consequence: missense variant.
Genome position (GRCh38, 1-based): chr7:151,574,910, C>A on the plus strand (G>T on the coding strand, the complement: PRKAG2 is on the minus strand). VCF-style: chr7-151574910-C-A. GRCh37 (hg19) VCF-style: chr7-151271996-C-A.
Other names: c.854G>T, p.Arg285Ile (NM_001040633.2, NM_001407024.1); c.611G>T, p.Arg204Ile (NM_001304527.2, NM_001407029.1); c.263G>T, p.Arg88Ile (NM_001304531.2, NM_001407034.1, NM_001407035.1 and 1 more transcripts); c.614G>T, p.Arg205Ile (NM_001363698.2, NM_001407028.1); c.986G>T, p.Arg329Ile (NM_001407021.1); c.983G>T, p.Arg328Ile (NM_001407022.1, NM_001407023.1); c.851G>T, p.Arg284Ile (NM_001407026.1, NM_001407027.1); c.698G>T, p.Arg233Ile (NM_001407030.1); and 6 more; short protein forms R221I, R223I, R329I, R87I, R205I, R233I, R108I, R204I.
Identifiers: ClinVar variation 3636781 (VCV003636781.2).